The following is an entry in ClinVar:

ClinVar aggregate classification (germline): Uncertain significance (1 of 4 stars; one submission).

Allele frequency attached by ClinVar (database versions not stated): gnomAD 0.00003; ExAC 0.00005; TOPMed 0.00005.
gnomAD v4.1: 32 of 1,611,462 alleles (0.002%); highest among the groups gnomAD compares: Admixed American, 0.033%; no homozygotes.

Submission:

Labcorp Genetics (formerly Invitae), Labcorp
Classification: Uncertain significance. Last evaluated: 2023-09-19. Review status: criteria provided, single submitter. Criteria: Invitae Variant Classification Sherloc (09022015). Collection method: clinical testing. Allele origin: germline.
Comment: In summary, the available evidence is currently insufficient to determine the role of this variant in disease. Therefore, it has been classified as a Variant of Uncertain Significance. An algorithm developed to predict the effect of missense changes on protein structure and function (PolyPhen-2) suggests that this variant is likely to be tolerated. This variant has not been reported in the literature in individuals affected with TNK2-related conditions. This variant is present in population databases (rs771344043, gnomAD 0.05%). This sequence change replaces alanine, which is neutral and non-polar, with valine, which is neutral and non-polar, at codon 210 of the TNK2 protein (p.Ala210Val).

NM_001382273.1(TNK2):c.440C>T (p.Ala147Val)

Gene: TNK2 (tyrosine kinase non receptor 2; minus strand). Cytogenetic location: 3q29.
Variant type: single nucleotide variant.
Coding change: c.440C>T on transcript NM_001382273.1 (MANE Select); coding-DNA position 440, C replaced by T.
Protein change: p.Ala147Val; replaces alanine 147 with valine.
Molecular consequence: missense variant. On other transcripts: non-coding transcript variant (15).
Genome position (GRCh38, 1-based): chr3:195,884,828, G>A on the plus strand (C>T on the coding strand, the complement: TNK2 is on the minus strand). VCF-style: chr3-195884828-G-A. GRCh37 (hg19) VCF-style: chr3-195611699-G-A.
Other names: c.512C>T, p.Ala171Val (NM_001010938.2, NM_001382272.1, NM_001387708.1 and 1 more transcripts); c.536C>T, p.Ala179Val (NM_001308046.2, NM_001382271.1, NM_001382275.1 and 1 more transcripts); c.440C>T, p.Ala147Val (NM_001382274.1, NM_001386164.1, NM_001387709.1 and 12 more transcripts); short protein forms A179V, A171V, A147V.
Identifiers: ClinVar variation 2759729 (VCV002759729.3), dbSNP rs771344043, ClinGen allele CA2776860.